The following is an entry in ClinVar:

NM_001110556.2(FLNA):c.2113G>A (p.Ala705Thr)

Gene: FLNA (filamin A; minus strand). Cytogenetic location: Xq28.
Variant type: single nucleotide variant.
Coding change: c.2113G>A on transcript NM_001110556.2 (MANE Select); coding-DNA position 2113, G replaced by A.
Protein change: p.Ala705Thr; replaces alanine 705 with threonine.
Molecular consequence: missense variant.
Genome position (GRCh38, 1-based): chrX:154,364,282, C>T on the plus strand (G>A on the coding strand, the complement: FLNA is on the minus strand). VCF-style: chrX-154364282-C-T. GRCh37 (hg19) VCF-style: chrX-153592650-C-T.
Other names: c.2113G>A, p.Ala705Thr (NM_001456.4); short protein forms A705T.
Identifiers: ClinVar variation 1450133 (VCV001450133.6), dbSNP rs2148115967, ClinGen allele CA415238443.

ClinVar aggregate classification (germline): Uncertain significance (1 of 4 stars; one submission).

Conditions:
Melnick-Needles syndrome (MNS). Also called: MELNICK-NEEDLES OSTEODYSPLASTY; Melnick-Needles Syndrome (FLNA-MNS); OSTEODYSPLASTY OF MELNICK AND NEEDLES. Identifiers: Orphanet 2484, MedGen C0025237, MONDO:0010650, OMIM 309350.
Frontometaphyseal dysplasia (FMD1). Identifiers: Orphanet 1826, MedGen C0265293, MONDO:0015942.
Heterotopia, periventricular, X-linked dominant (PVNH1). Also called: PERIVENTRICULAR NODULAR HETEROTOPIA 1; X-linked periventricular heterotopia; PERIVENTRICULAR NODULAR HETEROTOPIA 4; HETEROTOPIA, PERIVENTRICULAR, 1. Identifiers: Orphanet 2149, Orphanet 82004, MedGen C1848213, MONDO:0010233, OMIM 300049.
Oto-palato-digital syndrome, type II (OPD2). Also called: FACIOPALATOOSSEOUS SYNDROME; Otopalatodigital Syndrome Type 2 (FLNA-OPD2); OPD II SYNDROME; Otopalatodigital Syndrome, Type II. Identifiers: Orphanet 669, Orphanet 90652, MedGen C1844696, MONDO:0010571, OMIM 304120.

gnomAD v4.1: 1 of 1,211,115 alleles (0.000083%); highest among the groups gnomAD compares: Non-Finnish European, 0.00011%; no homozygotes.

Submission:

Labcorp Genetics (formerly Invitae), Labcorp
Classification: Uncertain significance for Oto-palato-digital syndrome, type II; Heterotopia, periventricular, X-linked dominant; Frontometaphyseal dysplasia; Melnick-Needles syndrome. Last evaluated: 2021-10-21. Review status: criteria provided, single submitter. Criteria: Invitae Variant Classification Sherloc (09022015). Collection method: clinical testing. Allele origin: germline.
Comment: In summary, the available evidence is currently insufficient to determine the role of this variant in disease. Therefore, it has been classified as a Variant of Uncertain Significance. Advanced modeling of protein sequence and biophysical properties (such as structural, functional, and spatial information, amino acid conservation, physicochemical variation, residue mobility, and thermodynamic stability) performed at Invitae indicates that this missense variant is not expected to disrupt FLNA protein function. This variant has not been reported in the literature in individuals affected with FLNA-related conditions. This variant is not present in population databases (gnomAD no frequency). This sequence change replaces alanine, which is neutral and non-polar, with threonine, which is neutral and polar, at codon 705 of the FLNA protein (p.Ala705Thr).